The following is an entry in ClinVar:

ClinVar aggregate classification (germline): Pathogenic. Review status: criteria provided, multiple submitters, no conflicts (2 of 4 stars). 2 submissions from 2 submitters: Pathogenic (2). Last evaluated 2023-01-12.

Conditions:
Hereditary cancer-predisposing syndrome. Also called: Tumor predisposition; Hereditary neoplastic syndrome; Neoplastic Syndromes, Hereditary; Hereditary Cancer Syndrome. Identifiers: Orphanet 140162, MedGen C0027672, MeSH D009386, MONDO:0015356.
Familial cancer of breast. Also called: hereditary breast carcinoma; Hereditary breast cancer; BREAST CANCER, FAMILIAL. Identifiers: Orphanet 227535, MedGen C0346153, MONDO:0016419, OMIM 114480. Disease mechanism: loss of function.

Submissions (2):

Ambry Genetics
Classification: Pathogenic for Hereditary cancer-predisposing syndrome. Last evaluated: 2023-01-12. Review status: criteria provided, single submitter. Criteria: Ambry Variant Classification Scheme 2023. Collection method: clinical testing. Allele origin: germline.
Comment: The c.1723_1729delAGTGGGC pathogenic mutation, located in coding exon 8 of the BARD1 gene, results from a deletion of 7 nucleotides at nucleotide positions 1723 to 1729, causing a translational frameshift with a predicted alternate stop codon (p.S575Cfs*14). This variant is considered to be rare based on population cohorts in the Genome Aggregation Database (gnomAD). This alteration is expected to result in loss of function by premature protein truncation or nonsense-mediated mRNA decay. As such, this alteration is interpreted as a disease-causing mutation.

Labcorp Genetics (formerly Invitae), Labcorp
Classification: Pathogenic for Familial cancer of breast. Last evaluated: 2020-03-04. Review status: criteria provided, single submitter. Criteria: Invitae Variant Classification Sherloc (09022015). Collection method: clinical testing. Allele origin: germline.
Comment: This sequence change creates a premature translational stop signal (p.Ser575Cysfs*14) in the BARD1 gene. It is expected to result in an absent or disrupted protein product. This variant is not present in population databases (ExAC no frequency). This variant has not been reported in the literature in individuals with BARD1-related conditions. Loss-of-function variants in BARD1 are known to be pathogenic (PMID: 20077502, 21344236). For these reasons, this variant has been classified as Pathogenic.

Literature cited by the submitters: PubMed 20077502 (cited by Labcorp Genetics (formerly Invitae), Labcorp); PubMed 21344236 (cited by Labcorp Genetics (formerly Invitae), Labcorp).

NM_000465.4(BARD1):c.1723_1729del (p.Ser575fs)

Gene: BARD1 (BRCA1 associated RING domain 1; minus strand). Cytogenetic location: 2q35.
Variant type: Deletion.
Coding change: c.1723_1729del on transcript NM_000465.4 (MANE Select); coding-DNA positions 1723 to 1729, 7 bases deleted (AGTGGGC; older notation c.1723_1729delAGTGGGC).
Protein change: p.Ser575fs; shifts the reading frame from serine 575.
Molecular consequence: frameshift variant. On other transcripts: non-coding transcript variant (3), intron variant (1).
Genome position (GRCh38, 1-based): chr2:214,745,803-214,745,809, GCCCACT deleted on the plus strand (AGTGGGC on the coding strand, the reverse complement: BARD1 is on the minus strand); deleting any 7 consecutive bases within chr2:214,745,803-214,745,812 gives the same sequence; the c. name uses the placement nearest the transcript's 3' end. VCF-style (leftmost placement, unchanged base first): chr2-214745802-AGCCCACT-A. GRCh37 (hg19) VCF-style: chr2-215610526-AGCCCACT-A.
Other names: c.1666_1672del, p.Ser556fs (NM_001282543.2); c.370_376del, p.Ser124fs (NM_001282545.2); c.313_319del, p.Ser105fs (NM_001282548.2); c.365-15301_365-15295del (NM_001282549.2); c.1723_1729delAGTGGGC (NM_000465.2); short protein forms S105fs, S124fs, S556fs, S575fs.
Identifiers: ClinVar variation 1076949 (VCV001076949.9), dbSNP rs2106021114, ClinGen allele CA2499215615.